The following is an entry in ClinVar:

NM_000059.4(BRCA2):c.317-19_317-12del

Gene: BRCA2 (BRCA2 DNA repair associated; plus strand). Cytogenetic location: 13q13.1.
Variant type: Deletion.
Coding change: c.317-19_317-12del on transcript NM_000059.4 (MANE Select); 19 bases into the intron before coding-DNA position 317 through 12 bases into the intron before coding-DNA position 317, 8 bases deleted (AATTATTG; older notation c.317-19_317-12delAATTATTG).
Molecular consequence: intron variant.
Genome position (GRCh38, 1-based): chr13:32,325,057-32,325,064, AATTATTG deleted; deleting any 8 consecutive bases within chr13:32,325,055-32,325,064 gives the same sequence; the c. name uses the placement nearest the transcript's 3' end. VCF-style (leftmost placement, unchanged base first): chr13-32325054-CTGAATTAT-C. GRCh37 (hg19) VCF-style: chr13-32899191-CTGAATTAT-C.
Other names: c.317-19_317-12delAATTATTG (NM_000059.3).
Identifiers: ClinVar variation 508214 (VCV000508214.17), dbSNP rs1555280834, ClinGen allele CA609084351.

ClinVar aggregate classification (germline): Likely benign. Review status: criteria provided, multiple submitters, no conflicts (2 of 4 stars). 6 submissions from 6 submitters: Likely benign (6). Last evaluated 2026-01-20.

Conditions:
Hereditary breast ovarian cancer syndrome. Also called: Breast and ovarian cancer; Hereditary breast and/or ovarian cancer syndrome; BRCA1- and BRCA2-Associated Hereditary Breast and Ovarian Cancer; Hereditary breast and ovarian cancer syndrome; Hereditary breast and ovarian cancer syndrome (HBOC); Hereditary breast and ovarian cancer. Identifiers: Orphanet 145, MedGen C0677776, MeSH D061325, MONDO:0003582. Disease mechanism: loss of function.
Breast-ovarian cancer, familial, susceptibility to, 1 (BROVCA1). Also called: BRCA1 Hereditary Breast and Ovarian Cancer; OVARIAN CANCER, SUSCEPTIBILITY TO. Identifiers: Orphanet 145, MedGen C2676676, MONDO:0011450, OMIM 604370. Disease mechanism: loss of function.
Hereditary cancer-predisposing syndrome. Also called: Tumor predisposition; Hereditary Cancer Syndrome; Hereditary neoplastic syndrome; Neoplastic Syndromes, Hereditary. Identifiers: Orphanet 140162, MedGen C0027672, MeSH D009386, MONDO:0015356.

Submissions (6):

Labcorp Genetics (formerly Invitae), Labcorp
Classification: Likely benign for Hereditary breast ovarian cancer syndrome. Last evaluated: 2026-01-20. Review status: criteria provided, single submitter. Criteria: Invitae Variant Classification Sherloc (09022015). Collection method: clinical testing. Allele origin: germline.

Blueprint Genetics
Classification: Likely benign. Last evaluated: 2023-09-05. Review status: criteria provided, single submitter. Criteria: ACMG Guidelines, 2015. Collection method: clinical testing. Allele origin: germline.

Institute of Human Genetics, University of Leipzig Medical Center
Classification: Likely benign for Breast-ovarian cancer, familial, susceptibility to, 1. Last evaluated: 2022-12-14. Review status: criteria provided, single submitter. Criteria: ACMG Guidelines, 2015. Collection method: clinical testing. Allele origin: unknown. Affected: yes.
Comment: _x000D_ Criteria applied: PM2_SUP, BP4, BP7

Women's Health and Genetics/Laboratory Corporation of America, LabCorp
Classification: Likely benign. Last evaluated: 2021-07-31. Review status: criteria provided, single submitter. Criteria: LabCorp Variant Classification Summary - May 2015. Collection method: clinical testing. Allele origin: germline.
Comment: Variant summary: BRCA2 c.317-19_317-12delAATTATTG alters a nucleotide located close to a canonical splice site and therefore could affect mRNA splicing, leading to a significantly altered protein sequence. 4/4 computational tools predict no significant impact on normal splicing. However, these predictions have yet to be confirmed by functional studies. The variant was absent in 247252 control chromosomes. The available data on variant occurrences in the general population are insufficient to allow any conclusion about variant significance. To our knowledge, no occurrence of c.317-19_317-12delAATTATTG in individuals affected with Hereditary Breast And Ovarian Cancer Syndrome and no experimental evidence demonstrating its impact on protein function have been reported. Three clinical diagnostic laboratories have submitted clinical-significance assessments for this variant to ClinVar after 2014 without evidence for independent evaluation. All laboratories classified the variant as likely benign. Based on the evidence outlined above, the variant was classified as likely benign.

Color Diagnostics, LLC DBA Color Health
Classification: Likely benign for Hereditary cancer-predisposing syndrome. Last evaluated: 2018-01-26. Review status: criteria provided, single submitter. Criteria: ACMG Guidelines, 2015. Collection method: clinical testing. Allele origin: germline.

GeneDx
Classification: Likely benign. Last evaluated: 2017-03-17. Review status: criteria provided, single submitter. Criteria: GeneDx Variant Classification (06012015). Collection method: clinical testing. Allele origin: germline. Affected: yes.
Comment: This variant is considered likely benign or benign based on one or more of the following criteria: it is a conservative change, it occurs at a poorly conserved position in the protein, it is predicted to be benign by multiple in silico algorithms, and/or has population frequency not consistent with disease.